The following is an entry in ClinVar:

ClinVar aggregate classification (germline): Uncertain significance (1 of 4 stars; one submission).

gnomAD v4.1: 2 of 1,570,460 alleles (0.00013%); highest among the groups gnomAD compares: East Asian, 0.0023%; no homozygotes.

Submission:

ARUP Laboratories, Molecular Genetics and Genomics, ARUP Laboratories
Classification: Uncertain significance. Last evaluated: 2023-11-09. Review status: criteria provided, single submitter. Criteria: ARUP Molecular Germline Variant Investigation Process 2024. Collection method: clinical testing. Allele origin: germline.
Comment: The JPH2 c.1739C>T; p.Pro580Leu variant, to our knowledge, is not reported in the medical literature or gene specific databases. This variant is also absent from the Genome Aggregation Database (v2.1.1), indicating it is not a common polymorphism. Computational analyses predict that this variant is neutral (REVEL: 0.102). Due to limited information, the clinical significance of the p.Pro580Leu variant is uncertain at this time.

NM_020433.5(JPH2):c.1739C>T (p.Pro580Leu)

Gene: JPH2 (junctophilin 2; minus strand). Cytogenetic location: 20q13.12.
Variant type: single nucleotide variant.
Coding change: c.1739C>T on transcript NM_020433.5 (MANE Select); coding-DNA position 1739, C replaced by T.
Protein change: p.Pro580Leu; replaces proline 580 with leucine.
Molecular consequence: missense variant.
Genome position (GRCh38, 1-based): chr20:44,115,936, G>A on the plus strand (C>T on the coding strand, the complement: JPH2 is on the minus strand). VCF-style: chr20-44115936-G-A. GRCh37 (hg19) VCF-style: chr20-42744576-G-A.
Other names: short protein forms P580L.
Identifiers: ClinVar variation 2921158 (VCV002921158.1), dbSNP rs1162090571, ClinGen allele CA409100024.